The following is an entry in ClinVar:

ClinVar aggregate classification (germline): Uncertain significance (1 of 4 stars; one submission).

Conditions:
Developmental delay, hypotonia, and impaired language (DEDHIL). Identifiers: MedGen C5774202, MONDO:0859280, OMIM 620012.

Submission:

St. Jude Molecular Pathology, St. Jude Children's Research Hospital
Classification: Uncertain significance for Developmental delay, hypotonia, and impaired language. Last evaluated: 2025-06-17. Review status: criteria provided, single submitter. Criteria: St. Jude Assertion Criteria 2020. Collection method: clinical testing. Allele origin: germline.
Comment: The FBXW7 c.1026A>G p.(Ile342Met) missense change is absent in gnomAD v2.1.1. The in silico tool REVEL predicts a benign effect on protein function, but to our knowledge this prediction has not been confirmed by functional studies. To our knowledge, this variant has not been reported in the literature in individuals with FBXW7-associated conditions. In summary, the evidence currently available is insufficient to determine the clinical significance of this variant. It has therefore been classified as of uncertain significance.

NM_001349798.2(FBXW7):c.1026A>G (p.Ile342Met)

Gene: FBXW7 (F-box and WD repeat domain containing 7; minus strand). Cytogenetic location: 4q31.3.
Variant type: single nucleotide variant.
Coding change: c.1026A>G on transcript NM_001349798.2 (MANE Select); coding-DNA position 1026, A replaced by G.
Protein change: p.Ile342Met; replaces isoleucine 342 with methionine.
Molecular consequence: missense variant.
Genome position (GRCh38, 1-based): chr4:152,330,828, T>C on the plus strand (A>G on the coding strand, the complement: FBXW7 is on the minus strand). VCF-style: chr4-152330828-T-C. GRCh37 (hg19) VCF-style: chr4-153251980-T-C.
Other names: c.672A>G, p.Ile224Met (NM_001013415.2); c.786A>G, p.Ile262Met (NM_018315.5); c.1026A>G, p.Ile342Met (NM_033632.3); short protein forms I262M, I342M, I224M.
Identifiers: ClinVar variation 4056120 (VCV004056120.2).